The following is an entry in ClinVar:

NM_005343.4(HRAS):c.368G>C (p.Arg123Pro)

Genes: HRAS (HRas proto-oncogene, GTPase; minus strand), LRRC56 (leucine rich repeat containing 56; plus strand). Cytogenetic location: 11p15.5.
Variant type: single nucleotide variant.
Coding change: c.368G>C on transcript NM_005343.4 (MANE Select); coding-DNA position 368, G replaced by C.
Protein change: p.Arg123Pro; replaces arginine 123 with proline.
Molecular consequence: missense variant.
Genome position (GRCh38, 1-based): chr11:533,535, C>G on the plus strand (G>C on the coding strand, the complement: HRAS is on the minus strand). VCF-style: chr11-533535-C-G. GRCh37 (hg19) VCF-style: chr11-533535-C-G.
Other names: c.368G>C, p.Arg123Pro (NM_001130442.3, NM_176795.5); c.49G>C, p.Ala17Pro (NM_001318054.2); short protein forms R123P, A17P.
Identifiers: ClinVar variation 180852 (VCV000180852.11), dbSNP rs730880464, ClinGen allele CA296068.

ClinVar aggregate classification (germline): Uncertain significance. Review status: criteria provided, multiple submitters, no conflicts (2 of 4 stars). 2 submissions from 2 submitters: Uncertain significance (2). Last evaluated 2025-09-14.

Conditions:
Hereditary cancer-predisposing syndrome. Also called: Neoplastic Syndromes, Hereditary; Hereditary Cancer Syndrome; Tumor predisposition; Hereditary neoplastic syndrome. Identifiers: Orphanet 140162, MedGen C0027672, MeSH D009386, MONDO:0015356.
Costello syndrome (CSTLO). Also called: HRAS-Related Costello Syndrome; FACIOCUTANEOSKELETAL SYNDROME; FCS SYNDROME. Identifiers: Orphanet 3071, MedGen C0587248, MONDO:0009026, OMIM 218040.

Allele frequency attached by ClinVar (database versions not stated): ExAC 0.00002; TOPMed 0.00002; gnomAD 0.00003 and 0.00004; gnomAD exomes 0.00004.
gnomAD v4.1: 68 of 1,613,718 alleles (0.0042%); highest among the groups gnomAD compares: Non-Finnish European, 0.0055%; no homozygotes.

Submissions (2):

Labcorp Genetics (formerly Invitae), Labcorp
Classification: Uncertain significance for Costello syndrome. Last evaluated: 2025-09-14. Review status: criteria provided, single submitter. Criteria: Invitae Variant Classification Sherloc (09022015). Collection method: clinical testing. Allele origin: germline.
Comment: This sequence change replaces arginine, which is basic and polar, with proline, which is neutral and non-polar, at codon 123 of the HRAS protein (p.Arg123Pro). This variant is present in population databases (rs730880464, gnomAD 0.008%). This variant has not been reported in the literature in individuals affected with HRAS-related conditions. ClinVar contains an entry for this variant (Variation ID: 180852). Invitae Evidence Modeling of protein sequence and biophysical properties (such as structural, functional, and spatial information, amino acid conservation, physicochemical variation, residue mobility, and thermodynamic stability) indicates that this missense variant is expected to disrupt HRAS protein function with a positive predictive value of 80%. In summary, the available evidence is currently insufficient to determine the role of this variant in disease. Therefore, it has been classified as a Variant of Uncertain Significance.

Sema4
Classification: Uncertain significance for Hereditary cancer-predisposing syndrome. Last evaluated: 2021-04-19. Review status: criteria provided, single submitter. Criteria: Sema4 Curation Guidelines. Collection method: curation. Allele origin: germline.
Comment: The HRAS c.368G>C (p.R123P) variant has not been reported in the literature to our knowledge. It was observed in 9/113652 chromosomes of the European (non-Finnish) subpopulation in the large and broad cohorts of the Genome Aggregation Database. The variant has been reported in ClinVar (Variation ID 180852). In silico tools suggest the impact of the variant on protein function is deleterious, though these predictions have not been confirmed by functional studies. The evidence is insufficient to meet ACMG/AMP criteria for classifying the variant as benign or pathogenic. Thus, the clinical significance of this variant is currently uncertain.